The following is an entry in ClinVar:

ClinVar aggregate classification (germline): Uncertain significance. Review status: criteria provided, multiple submitters, no conflicts (2 of 4 stars). 2 submissions from 2 submitters: Uncertain significance (2). Last evaluated 2025-08-26.

Conditions:
Inborn genetic diseases. Identifiers: MedGen C0950123, MeSH D030342.

Allele frequency attached by ClinVar (database versions not stated): TOPMed below 0.00001; gnomAD 0.00001; gnomAD exomes 0.00001.

Submissions (2):

Ambry Genetics
Classification: Uncertain significance for Inborn genetic diseases. Last evaluated: 2025-08-26. Review status: criteria provided, single submitter. Criteria: Ambry Variant Classification Scheme 2023. Collection method: clinical testing. Allele origin: germline.

Labcorp Genetics (formerly Invitae), Labcorp
Classification: Uncertain significance. Last evaluated: 2024-06-13. Review status: criteria provided, single submitter. Criteria: Invitae Variant Classification Sherloc (09022015). Collection method: clinical testing. Allele origin: germline.
Comment: This sequence change replaces alanine, which is neutral and non-polar, with threonine, which is neutral and polar, at codon 649 of the C1S protein (p.Ala649Thr). This variant is present in population databases (no rsID available, gnomAD 0.003%). This variant has not been reported in the literature in individuals affected with C1S-related conditions. Advanced modeling of protein sequence and biophysical properties (such as structural, functional, and spatial information, amino acid conservation, physicochemical variation, residue mobility, and thermodynamic stability) performed at Invitae indicates that this missense variant is not expected to disrupt C1S protein function with a negative predictive value of 80%. In summary, the available evidence is currently insufficient to determine the role of this variant in disease. Therefore, it has been classified as a Variant of Uncertain Significance.

NM_001734.5(C1S):c.1945G>A (p.Ala649Thr)

Gene: C1S (complement C1s; plus strand). Cytogenetic location: 12p13.31.
Variant type: single nucleotide variant.
Coding change: c.1945G>A on transcript NM_001734.5 (MANE Select); coding-DNA position 1945, G replaced by A.
Protein change: p.Ala649Thr; replaces alanine 649 with threonine.
Molecular consequence: missense variant.
Genome position (GRCh38, 1-based): chr12:7,070,529, G>A. VCF-style: chr12-7070529-G-A. GRCh37 (hg19) VCF-style: chr12-7177833-G-A.
Other names: c.1945G>A, p.Ala649Thr (NM_201442.4); c.1444G>A, p.Ala482Thr (NM_001346850.2); c.1945G>A (NM_201442.2); short protein forms A649T, A482T.
Identifiers: ClinVar variation 2873701 (VCV002873701.4), dbSNP rs1555163103, ClinGen allele CA383708507.